The following is an entry in ClinVar:

NM_001061.7(TBXAS1):c.898G>A (p.Val300Ile)

Gene: TBXAS1 (thromboxane A synthase 1; plus strand). Cytogenetic location: 7q34.
Variant type: single nucleotide variant.
Coding change: c.898G>A on transcript NM_001061.7 (MANE Select); coding-DNA position 898, G replaced by A.
Protein change: p.Val300Ile; replaces valine 300 with isoleucine.
Molecular consequence: missense variant.
Genome position (GRCh38, 1-based): chr7:139,961,997, G>A. VCF-style: chr7-139961997-G-A. GRCh37 (hg19) VCF-style: chr7-139661796-G-A.
Other names: c.898G>A, p.Val300Ile (NM_001130966.5, NM_030984.6); c.1036G>A, p.Val346Ile (NM_001166253.4); c.697G>A, p.Val233Ile (NM_001166254.4); c.841G>A, p.Val281Ile (NM_001314028.4); c.715G>A, p.Val239Ile (NM_001366537.3); short protein forms V233I, V239I, V281I, V300I, V301I, V346I, V347I.
Identifiers: ClinVar variation 3624173 (VCV003624173.1).
Genomic context (GRCh38, chr7:139,961,997, plus strand): 5'-CAAATGGTCCTGGATGCCCGACATTCTGCAAGTCCCATGGGCGTGCAAGACTTTGACATC[G>A]TCAGAGACGTTTTCTCCTCTACTGGGTGCAAGCCGAACCCTTCCCGGCAACACCAGCCCA-3'
Protein context (NP_001052.3, residues 290-310): SPMGVQDFDI[Val300Ile]RDVFSSTGCK

ClinVar aggregate classification (germline): Uncertain significance (1 of 4 stars; one submission).

gnomAD v4.1: 43 of 1,614,098 alleles (0.0027%); highest among the groups gnomAD compares: African/African-American, 0.0093%; no homozygotes.

Submission:

Labcorp Genetics (formerly Invitae), Labcorp
Classification: Uncertain significance. Last evaluated: 2024-10-25. Review status: criteria provided, single submitter. Criteria: Invitae Variant Classification Sherloc (09022015). Collection method: clinical testing. Allele origin: germline.
Comment: This sequence change replaces valine, which is neutral and non-polar, with isoleucine, which is neutral and non-polar, at codon 301 of the TBXAS1 protein (p.Val301Ile). This variant is present in population databases (rs773843069, gnomAD 0.02%). This variant has not been reported in the literature in individuals affected with TBXAS1-related conditions. An algorithm developed to predict the effect of missense changes on protein structure and function (PolyPhen-2) suggests that this variant¬†is likely to be tolerated. In summary, the available evidence is currently insufficient to determine the role of this variant in disease. Therefore, it has been classified as a Variant of Uncertain Significance.